The following is an entry in ClinVar:

NM_001164508.2(NEB):c.7953C>T (p.Ser2651=)

Gene: NEB (nebulin; minus strand). Cytogenetic location: 2q23.3.
Variant type: single nucleotide variant.
Coding change: c.7953C>T on transcript NM_001164508.2 (MANE Select); coding-DNA position 7953, C replaced by T.
Protein change: p.Ser2651=; no amino-acid change (serine 2651 retained).
Molecular consequence: synonymous variant.
Genome position (GRCh38, 1-based): chr2:151,643,821, G>A on the plus strand (C>T on the coding strand, the complement: NEB is on the minus strand). VCF-style: chr2-151643821-G-A. GRCh37 (hg19) VCF-style: chr2-152500335-G-A.
Other names: c.7953C>T, p.Ser2651= (NM_001164507.2, NM_001271208.2, NM_004543.5).
Identifiers: ClinVar variation 510776 (VCV000510776.16), dbSNP rs183764569, ClinGen allele CA1909718.

ClinVar aggregate classification (germline): Conflicting classifications of pathogenicity. Review status: criteria provided, conflicting classifications (1 of 4 stars). 3 submissions from 3 submitters: Uncertain significance (1); Likely benign (2). Last evaluated 2025-12-31.

Conditions:
Nemaline myopathy 2 (NEM2). Also called: Nemaline myopathy 2, autosomal recessive. Identifiers: MedGen C1850569, MONDO:0009725, OMIM 256030.

Allele frequency attached by ClinVar (database versions not stated): gnomAD 0.00006 and 0.00009; TOPMed 0.00013; gnomAD exomes 0.00014; ExAC 0.00016; 1000 Genomes Project 0.00040; 1000 Genomes Project 30x 0.00047.
gnomAD v4.1: 132 of 1,612,232 alleles (0.0082%); highest among the groups gnomAD compares: East Asian, 0.19%; no homozygotes.

Submissions (3):

Labcorp Genetics (formerly Invitae), Labcorp
Classification: Likely benign for Nemaline myopathy 2. Last evaluated: 2025-12-31. Review status: criteria provided, single submitter. Criteria: Invitae Variant Classification Sherloc (09022015). Collection method: clinical testing. Allele origin: germline.

Illumina Laboratory Services, Illumina
Classification: Uncertain significance for Nemaline myopathy 2. Last evaluated: 2018-01-13. Review status: criteria provided, single submitter. Criteria: ICSL Variant Classification Criteria 13 December 2019. Collection method: clinical testing. Allele origin: germline.

GeneDx
Classification: Likely benign. Last evaluated: 2017-07-18. Review status: criteria provided, single submitter. Criteria: GeneDx Variant Classification (06012015). Collection method: clinical testing. Allele origin: germline. Affected: yes.
Comment: This variant is considered likely benign or benign based on one or more of the following criteria: it is a conservative change, it occurs at a poorly conserved position in the protein, it is predicted to be benign by multiple in silico algorithms, and/or has population frequency not consistent with disease.